The following is an entry in ClinVar:

ClinVar aggregate classification (germline): Uncertain significance (1 of 4 stars; one submission).

Submission:

Dasa
Classification: Uncertain significance. Last evaluated: 2025-06-16. Review status: criteria provided, single submitter. Criteria: DASA Assertion Criteria. Collection method: clinical testing. Allele origin: germline.
Comment: NM_000260.4(MYO7A):c.4350T>G (p.Asp1450Glu) is a missense variant that results in the substitution of aspartic acid with glutamic acid. This variant is absent from population databases. Computational prediction algorithms are consistent with a benign effect. The currently available literature and clinical evidence are not sufficient to establish a definitive association between this variant and the reported condition. Therefore, this variant is classified as a variant of uncertain significance.

NM_000260.4(MYO7A):c.4350T>G (p.Asp1450Glu)

Gene: MYO7A (myosin VIIA; plus strand). Cytogenetic location: 11q13.5.
Variant type: single nucleotide variant.
Coding change: c.4350T>G on transcript NM_000260.4 (MANE Select); coding-DNA position 4350, T replaced by G.
Protein change: p.Asp1450Glu; replaces aspartic acid 1450 with glutamic acid.
Molecular consequence: missense variant.
Genome position (GRCh38, 1-based): chr11:77,197,507, T>G. VCF-style: chr11-77197507-T-G. GRCh37 (hg19) VCF-style: chr11-76908552-T-G.
Other names: c.4350T>G, p.Asp1450Glu (NM_001127180.2); c.4317T>G, p.Asp1439Glu (NM_001369365.1); short protein forms D1439E, D1450E.
Identifiers: ClinVar variation 4882671 (VCV004882671.2).